The following is an entry in ClinVar:

NM_000492.4(CFTR):c.1105A>T (p.Asn369Tyr)

Gene: CFTR (CF transmembrane conductance regulator; plus strand). Cytogenetic location: 7q31.2.
Variant type: single nucleotide variant.
Coding change: c.1105A>T on transcript NM_000492.4 (MANE Select); coding-DNA position 1105, A replaced by T.
Protein change: p.Asn369Tyr; replaces asparagine 369 with tyrosine.
Molecular consequence: missense variant.
Genome position (GRCh38, 1-based): chr7:117,540,335, A>T. VCF-style: chr7-117540335-A-T. GRCh37 (hg19) VCF-style: chr7-117180389-A-T.
Other names: short protein forms N369Y.
Identifiers: ClinVar variation 3231818 (VCV003231818.1), dbSNP rs2485027271, ClinGen allele CA368979087.

ClinVar aggregate classification (germline): Uncertain significance (1 of 4 stars; one submission).

Conditions:
Cystic fibrosis (CF). Also called: MUCOVISCIDOSIS. Identifiers: Orphanet 586, MedGen C0010674, MONDO:0009061, OMIM 219700. Disease mechanism: loss of function.

Submission:

Ambry Genetics
Classification: Uncertain significance for Cystic fibrosis. Last evaluated: 2023-11-29. Review status: criteria provided, single submitter. Criteria: Ambry Variant Classification Scheme 2023. Collection method: clinical testing. Allele origin: germline.
Comment: The p.N369Y variant (also known as c.1105A>T), located in coding exon 8 of the CFTR gene, results from an A to T substitution at nucleotide position 1105. The asparagine at codon 369 is replaced by tyrosine, an amino acid with dissimilar properties. This amino acid position is conserved. In addition, the in silico prediction for this alteration is inconclusive. Since supporting evidence is limited at this time, the clinical significance of this alteration remains unclear.